The following is an entry in ClinVar:

NM_182914.3(SYNE2):c.11297A>G (p.Tyr3766Cys)

Gene: SYNE2 (spectrin repeat containing nuclear envelope protein 2; plus strand). Cytogenetic location: 14q23.2.
Variant type: single nucleotide variant.
Coding change: c.11297A>G on transcript NM_182914.3 (MANE Select); coding-DNA position 11297, A replaced by G.
Protein change: p.Tyr3766Cys; replaces tyrosine 3766 with cysteine.
Molecular consequence: missense variant.
Genome position (GRCh38, 1-based): chr14:64,080,589, A>G. VCF-style: chr14-64080589-A-G. GRCh37 (hg19) VCF-style: chr14-64547307-A-G.
Other names: c.11297A>G, p.Tyr3766Cys (NM_015180.6); short protein forms Y3766C.
Identifiers: ClinVar variation 1019078 (VCV001019078.8), dbSNP rs2097512603, ClinGen allele CA389941846.

ClinVar aggregate classification (germline): Uncertain significance (1 of 4 stars; one submission).

Conditions:
Emery-Dreifuss muscular dystrophy 5, autosomal dominant (EDMD5). Also called: EMERY-DREIFUSS MUSCULAR DYSTROPHY 5. Identifiers: Orphanet 261, MedGen C2751805, MONDO:0013072, OMIM 612999.

Submission:

Labcorp Genetics (formerly Invitae), Labcorp
Classification: Uncertain significance for Emery-Dreifuss muscular dystrophy 5, autosomal dominant. Last evaluated: 2020-08-17. Review status: criteria provided, single submitter. Criteria: Invitae Variant Classification Sherloc (09022015). Collection method: clinical testing. Allele origin: germline.
Comment: In summary, the available evidence is currently insufficient to determine the role of this variant in disease. Therefore, it has been classified as a Variant of Uncertain Significance. Algorithms developed to predict the effect of missense changes on protein structure and function are either unavailable or do not agree on the potential impact of this missense change (SIFT: "Deleterious"; PolyPhen-2: "Benign"; Align-GVGD: "Class C0"). This variant has not been reported in the literature in individuals with SYNE2-related conditions. This variant is not present in population databases (ExAC no frequency). This sequence change replaces tyrosine with cysteine at codon 3766 of the SYNE2 protein (p.Tyr3766Cys). The tyrosine residue is weakly conserved and there is a large physicochemical difference between tyrosine and cysteine.